The following is an entry in ClinVar:

ClinVar aggregate classification (germline): Uncertain significance (0 of 4 stars; one submission).

Conditions:
CPT1A-related disorder. Also called: CPT1A-related condition.

gnomAD v4.1: 2 of 1,614,030 alleles (0.00012%); highest among the groups gnomAD compares: African/African-American, 0.0027%; no homozygotes.

Submission:

PreventionGenetics, part of Exact Sciences
Classification: Uncertain significance for CPT1A-related condition. Last evaluated: 2024-03-21. Review status: no assertion criteria provided. Collection method: clinical testing. Allele origin: germline.
Comment: The CPT1A c.148A>C variant is predicted to result in the amino acid substitution p.Ile50Leu. To our knowledge, this variant has not been reported in the literature. This variant is reported in 0.0080% of alleles in individuals of African descent in gnomAD. At this time, the clinical significance of this variant is uncertain due to the absence of conclusive functional and genetic evidence.

NM_001876.4(CPT1A):c.148A>C (p.Ile50Leu)

Gene: CPT1A (carnitine palmitoyltransferase 1A; minus strand). Cytogenetic location: 11q13.3.
Variant type: single nucleotide variant.
Coding change: c.148A>C on transcript NM_001876.4 (MANE Select); coding-DNA position 148, A replaced by C.
Protein change: p.Ile50Leu; replaces isoleucine 50 with leucine.
Molecular consequence: missense variant.
Genome position (GRCh38, 1-based): chr11:68,812,570, T>G on the plus strand (A>C on the coding strand, the complement: CPT1A is on the minus strand). VCF-style: chr11-68812570-T-G. GRCh37 (hg19) VCF-style: chr11-68580038-T-G.
Other names: c.148A>C, p.Ile50Leu (NM_001031847.3); short protein forms I50L.
Identifiers: ClinVar variation 3348201 (VCV003348201.1).
Genomic context (GRCh38, chr11:68,812,570, plus strand): 5'-TCACGCCCACCACCACGATAAGCCAACTGGAGGGGCTTGCCGGGTACACGCCAGTGATGA[T>G]GCCGTTCTAAAGACAGACACCCGGGCCGTGAGCGGTGTCCTCCCACAACCCACAGGGCAA-3'
Protein context (NP_001867.2, residues 40-60): KKKFIRFKNG[Ile50Leu]ITGVYPASPS